The following is an entry in ClinVar:

NM_001039591.3(USP9X):c.3056C>T (p.Ser1019Phe)

Gene: USP9X (ubiquitin specific peptidase 9 X-linked; plus strand). Cytogenetic location: Xp11.4.
Variant type: single nucleotide variant.
Coding change: c.3056C>T on transcript NM_001039591.3 (MANE Select); coding-DNA position 3056, C replaced by T.
Protein change: p.Ser1019Phe; replaces serine 1019 with phenylalanine.
Molecular consequence: missense variant.
Genome position (GRCh38, 1-based): chrX:41,171,866, C>T. VCF-style: chrX-41171866-C-T. GRCh37 (hg19) VCF-style: chrX-41031119-C-T.
Other names: c.3056C>T, p.Ser1019Phe (NM_001039590.3); c.3071C>T, p.Ser1024Phe (NM_001410748.1, NM_001410749.1); short protein forms S1019F, S1024F.
Identifiers: ClinVar variation 3681392 (VCV003681392.2).

ClinVar aggregate classification (germline): Uncertain significance (1 of 4 stars; one submission).

Submission:

Labcorp Genetics (formerly Invitae), Labcorp
Classification: Uncertain significance. Last evaluated: 2024-09-24. Review status: criteria provided, single submitter. Criteria: Invitae Variant Classification Sherloc (09022015). Collection method: clinical testing. Allele origin: germline.
Comment: This sequence change replaces serine, which is neutral and polar, with phenylalanine, which is neutral and non-polar, at codon 1019 of the USP9X protein (p.Ser1019Phe). This variant is not present in population databases (gnomAD no frequency). This variant has not been reported in the literature in individuals affected with USP9X-related conditions. An algorithm developed to predict the effect of missense changes on protein structure and function (PolyPhen-2) suggests that this variant is likely to be disruptive. In summary, the available evidence is currently insufficient to determine the role of this variant in disease. Therefore, it has been classified as a Variant of Uncertain Significance.